The following is an entry in ClinVar:

ClinVar aggregate classification (germline): Conflicting classifications of pathogenicity. Review status: criteria provided, conflicting classifications (1 of 4 stars). 6 submissions from 6 submitters: Uncertain significance (5); Likely benign (1). Last evaluated 2026-03-09.

Conditions:
PCNT-related disorder. Also called: PCNT-related condition.
Microcephalic osteodysplastic primordial dwarfism type II (MOPD2). Also called: OSTEODYSPLASTIC PRIMORDIAL DWARFISM, TYPE II; Microcephalic osteodysplastic primordial dwarfism with tooth abnormalities; MOPD II. Identifiers: Orphanet 2637, MedGen C0432246, MONDO:0008872, OMIM 210720.

Allele frequency attached by ClinVar (database versions not stated): gnomAD exomes 0.00018 and 0.00022; TOPMed 0.00020; gnomAD 0.00021 and 0.00022; ExAC 0.00039.
gnomAD v4.1: 290 of 1,594,970 alleles (0.018%); highest among the groups gnomAD compares: Non-Finnish European, 0.023%; no homozygotes.

Submissions (6):

PreventionGenetics, part of Exact Sciences
Classification: Uncertain significance for PCNT-related condition. Last evaluated: 2026-03-09. Review status: criteria provided, single submitter. Criteria: ACMG Guidelines, 2015. Collection method: clinical testing. Allele origin: germline.
Comment: The PCNT c.5726C>T variant is predicted to result in the amino acid substitution p.Pro1909Leu. To our knowledge, this variant has not been reported in the literature. This variant is reported in 0.037% of alleles in individuals of European (Non-Finnish) descent in gnomAD. At this time, the clinical significance of this variant is uncertain due to the absence of conclusive functional and genetic evidence.

Blueprint Genetics
Classification: Likely benign. Last evaluated: 2024-11-20. Review status: criteria provided, single submitter. Criteria: ACMG Guidelines, 2015. Collection method: clinical testing. Allele origin: germline.

Labcorp Genetics (formerly Invitae), Labcorp
Classification: Uncertain significance. Last evaluated: 2024-10-13. Review status: criteria provided, single submitter. Criteria: Invitae Variant Classification Sherloc (09022015). Collection method: clinical testing. Allele origin: germline.
Comment: This sequence change replaces proline, which is neutral and non-polar, with leucine, which is neutral and non-polar, at codon 1909 of the PCNT protein (p.Pro1909Leu). This variant is present in population databases (rs781468861, gnomAD 0.04%). This variant has not been reported in the literature in individuals affected with PCNT-related conditions. ClinVar contains an entry for this variant (Variation ID: 340506). An algorithm developed to predict the effect of missense changes on protein structure and function outputs the following: PolyPhen-2: "Possibly Damaging". The leucine amino acid residue is found in multiple mammalian species, which suggests that this missense change does not adversely affect protein function. In summary, the available evidence is currently insufficient to determine the role of this variant in disease. Therefore, it has been classified as a Variant of Uncertain Significance.

Institute for Clinical Genetics, University Hospital TU Dresden, University Hospital TU Dresden
Classification: Uncertain significance. Last evaluated: 2021-07-05. Review status: criteria provided, single submitter. Criteria: ACMG Guidelines, 2015. Collection method: clinical testing. Allele origin: maternal.

ARUP Laboratories, Molecular Genetics and Genomics, ARUP Laboratories
Classification: Uncertain significance for Microcephalic osteodysplastic primordial dwarfism type II. Last evaluated: 2019-08-02. Review status: criteria provided, single submitter. Criteria: ARUP Molecular Germline Variant Investigation Process. Collection method: clinical testing. Allele origin: germline.
Comment: The PCNT c.5726C>T; p.Pro1909Leu variant (rs781468861), to our knowledge, is not reported in the medical literature but is reported in ClinVar (Variation ID: 340506). This variant is found in the non-Finnish European population with an overall allele frequency of 0.04% (41/109710 alleles) in the Genome Aggregation Database. The proline at codon 1909 is weakly conserved, and computational analyses (SIFT, PolyPhen-2) predict that this variant is tolerated. Furthermore, only truncating variants in PCNT have been associated with disease (Rauch 2008, Willems 2010). Based on available information, this variant is considered to be likely benign. References: Rauch A et al. Mutations in the pericentrin (PCNT) gene cause primordial dwarfism. Science. 2008 Feb 8;319(5864):816-9. Willems M et al. Molecular analysis of pericentrin gene (PCNT) in a series of 24 Seckel/microcephalic osteodysplastic primordial dwarfism type II (MOPD II) families. J Med Genet. 2010 Dec;47(12):797-802.

Illumina Laboratory Services, Illumina
Classification: Uncertain significance for Microcephalic osteodysplastic primordial dwarfism type II. Last evaluated: 2018-01-13. Review status: criteria provided, single submitter. Criteria: ICSL Variant Classification Criteria 13 December 2019. Collection method: clinical testing. Allele origin: germline.

NM_006031.6(PCNT):c.5726C>T (p.Pro1909Leu)

Gene: PCNT (pericentrin; plus strand). Cytogenetic location: 21q22.3.
Variant type: single nucleotide variant.
Coding change: c.5726C>T on transcript NM_006031.6 (MANE Select); coding-DNA position 5726, C replaced by T.
Protein change: p.Pro1909Leu; replaces proline 1909 with leucine.
Molecular consequence: missense variant.
Genome position (GRCh38, 1-based): chr21:46,411,799, C>T. VCF-style: chr21-46411799-C-T. GRCh37 (hg19) VCF-style: chr21-47831713-C-T.
Other names: c.5372C>T, p.Pro1791Leu (NM_001315529.2); short protein forms P1909L, P1791L.
Identifiers: ClinVar variation 340506 (VCV000340506.21), dbSNP rs781468861, ClinGen allele CA10080075.